The following is an entry in ClinVar:

ClinVar aggregate classification (germline): Uncertain significance (1 of 4 stars; one submission).

Conditions:
Gorlin syndrome. Also called: Basal cell nevus syndrome; Nevoid Basal Cell Carcinoma Syndrome. Identifiers: Orphanet 377, MedGen C0004779, MONDO:0007187.

Submission:

Labcorp Genetics (formerly Invitae), Labcorp
Classification: Uncertain significance for Gorlin syndrome. Last evaluated: 2024-08-11. Review status: criteria provided, single submitter. Criteria: Invitae Variant Classification Sherloc (09022015). Collection method: clinical testing. Allele origin: germline.
Comment: This sequence change replaces serine, which is neutral and polar, with leucine, which is neutral and non-polar, at codon 3 of the PTCH1 protein (p.Ser3Leu). This variant is not present in population databases (gnomAD no frequency). This variant has not been reported in the literature in individuals affected with PTCH1-related conditions. ClinVar contains an entry for this variant (Variation ID: 1037401). Advanced modeling of protein sequence and biophysical properties (such as structural, functional, and spatial information, amino acid conservation, physicochemical variation, residue mobility, and thermodynamic stability) has been performed at Invitae for this missense variant, however the output from this modeling did not meet the statistical confidence thresholds required to predict the impact of this variant on PTCH1 protein function. In summary, the available evidence is currently insufficient to determine the role of this variant in disease. Therefore, it has been classified as a Variant of Uncertain Significance.

NM_000264.5(PTCH1):c.8C>T (p.Ser3Leu)

Genes: PTCH1 (patched 1; minus strand), LOC130002133 (ATAC-STARR-seq lymphoblastoid silent region 20071; plus strand). Cytogenetic location: 9q22.32.
Variant type: single nucleotide variant.
Coding change: c.8C>T on transcript NM_000264.5 (MANE Select); coding-DNA position 8, C replaced by T.
Protein change: p.Ser3Leu; replaces serine 3 with leucine.
Molecular consequence: missense variant. On other transcripts: non-coding transcript variant (1), intron variant (3).
Genome position (GRCh38, 1-based): chr9:95,508,354, G>A on the plus strand (C>T on the coding strand, the complement: PTCH1 is on the minus strand). VCF-style: chr9-95508354-G-A. GRCh37 (hg19) VCF-style: chr9-98270636-G-A.
Other names: c.8C>T, p.Ser3Leu (NM_001354918.2); c.199-1755C>T (NM_001083603.3); c.4-1755C>T (NM_001083602.3, NM_001354919.2); short protein forms S3L.
Identifiers: ClinVar variation 1037401 (VCV001037401.9), dbSNP rs1587701230, ClinGen allele CA374121774.